The following is an entry in ClinVar:

ClinVar aggregate classification (germline): Uncertain significance (1 of 4 stars; one submission).

Submission:

GeneDx
Classification: Uncertain significance. Last evaluated: 2026-02-11. Review status: criteria provided, single submitter. Criteria: GeneDx Variant Classification Process June 2021. Collection method: clinical testing. Allele origin: germline.
Comment: Not observed at significant frequency in large population cohorts (gnomAD); In silico analysis supports a deleterious effect on protein structure/function; Has not been previously published as pathogenic or benign to our knowledge

NM_001281775.3(ZMYND8):c.1651_1652delinsTT (p.Glu551Leu)

Gene: ZMYND8 (zinc finger MYND-type containing 8; minus strand). Cytogenetic location: 20q13.12.
Variant type: Indel.
Coding change: c.1651_1652delinsTT on transcript NM_001281775.3 (MANE Select); coding-DNA positions 1651 to 1652, GA replaced by TT.
Protein change: p.Glu551Leu; replaces glutamic acid 551 with leucine.
Molecular consequence: missense variant.
Genome position (GRCh38, 1-based): chr20:47,249,409-47,249,410, TC replaced by AA on the plus strand (GA replaced by TT on the coding strand, the reverse complement: ZMYND8 is on the minus strand). VCF-style: chr20-47249409-TC-AA. GRCh37 (hg19) VCF-style: chr20-45878153-TC-AA.
Other names: c.1576_1577delinsTT, p.Glu526Leu (NM_001281771.3, NM_001281777.3, NM_001281778.3 and 2 more transcripts); c.1591_1592delinsTT, p.Glu531Leu (NM_001281772.3, NM_001281773.3, NM_001281774.3 and 1 more transcripts); c.1651_1652delinsTT, p.Glu551Leu (NM_001281776.3, NM_001281783.3, NM_012408.6 and 1 more transcripts); c.847_848delinsTT, p.Glu283Leu (NM_001281779.3, NM_001281780.3); c.1435_1436delinsTT, p.Glu479Leu (NM_001281781.3, NM_001281784.3); c.1672_1673delinsTT, p.Glu558Leu (NM_001363714.1); short protein forms E283L, E479L, E526L, E531L, E551L, E558L.
Identifiers: ClinVar variation 4681137 (VCV004681137.2).